The following is an entry in ClinVar:

NM_004237.4(TRIP13):c.866+6del

Gene: TRIP13 (thyroid hormone receptor interactor 13; plus strand). Cytogenetic location: 5p15.33.
Variant type: Deletion.
Coding change: c.866+6del on transcript NM_004237.4 (MANE Select); 6 bases into the intron after coding-DNA position 866, one base deleted (C; older notation c.866+6delC).
Molecular consequence: intron variant. On other transcripts: 3 prime UTR variant (1).
Genome position (GRCh38, 1-based): chr5:908,467, C deleted; the last of 2 consecutive C bases (chr5:908,466-908,467); deleting either gives the same sequence. VCF-style (leftmost placement, unchanged base first): chr5-908465-AC-A. GRCh37 (hg19) VCF-style: chr5-908580-AC-A.
Other names: c.*2del (NM_001166260.2).
Identifiers: ClinVar variation 3358588 (VCV003358588.2).

ClinVar aggregate classification (germline): Uncertain significance. Review status: criteria provided, single submitter (1 of 4 stars). 2 submissions from 2 submitters: Uncertain significance (1). 1 of the submissions does not count toward it. Last evaluated 2025-05-15.

Conditions:
TRIP13-related disorder. Also called: TRIP13-related condition.

Submissions (2):

Labcorp Genetics (formerly Invitae), Labcorp
Classification: Uncertain significance. Last evaluated: 2025-05-15. Review status: criteria provided, single submitter. Criteria: Invitae Variant Classification Sherloc (09022015). Collection method: clinical testing. Allele origin: germline.
Comment: This sequence change falls in intron 9 of the TRIP13 gene. It does not directly change the encoded amino acid sequence of the TRIP13 protein. It affects a nucleotide within the consensus splice site. This variant is present in population databases (rs770219589, gnomAD 0.02%). This variant has not been reported in the literature in individuals affected with TRIP13-related conditions. ClinVar contains an entry for this variant (Variation ID: 3358588). Variants that disrupt the consensus splice site are a relatively common cause of aberrant splicing (PMID: 17576681, 9536098). Algorithms developed to predict the effect of sequence changes on RNA splicing suggest that this variant is not likely to affect RNA splicing. In summary, the available evidence is currently insufficient to determine the role of this variant in disease. Therefore, it has been classified as a Variant of Uncertain Significance.

PreventionGenetics, part of Exact Sciences
Classification: Likely benign for TRIP13-related condition. Last evaluated: 2024-03-23. Review status: no assertion criteria provided. Collection method: clinical testing. Allele origin: germline. Not counted in ClinVar's aggregate classification.
Comment: This variant is classified as likely benign based on ACMG/AMP sequence variant interpretation guidelines (Richards et al. 2015 PMID: 25741868, with internal and published modifications).

Literature cited by the submitters: PubMed 17576681 (cited by Labcorp Genetics (formerly Invitae), Labcorp); PubMed 9536098 (cited by Labcorp Genetics (formerly Invitae), Labcorp).